The following is an entry in ClinVar:

NM_000036.3(AMPD1):c.1304A>G (p.Glu435Gly)

Gene: AMPD1 (adenosine monophosphate deaminase 1; minus strand). Cytogenetic location: 1p13.2.
Variant type: single nucleotide variant.
Coding change: c.1304A>G on transcript NM_000036.3 (MANE Select); coding-DNA position 1304, A replaced by G.
Protein change: p.Glu435Gly; replaces glutamic acid 435 with glycine.
Molecular consequence: missense variant.
Genome position (GRCh38, 1-based): chr1:114,677,435, T>C on the plus strand (A>G on the coding strand, the complement: AMPD1 is on the minus strand). VCF-style: chr1-114677435-T-C. GRCh37 (hg19) VCF-style: chr1-115220056-T-C.
Other names: c.1292A>G, p.Glu431Gly (NM_001172626.2); c.1403A>G (NM_000036.2); short protein forms E431G, E435G.
Identifiers: ClinVar variation 2173226 (VCV002173226.3), dbSNP rs764950035, ClinGen allele CA1020158.

ClinVar aggregate classification (germline): Uncertain significance. Review status: criteria provided, multiple submitters, no conflicts (2 of 4 stars). 2 submissions from 2 submitters: Uncertain significance (2). Last evaluated 2026-08-18.

Conditions:
Muscle AMP deaminase deficiency (MMDD). Also called: Myoadenylate deaminase deficiency, myopathy due to; Adenosine monophosphate deaminase 1 deficiency; AMP deaminase 1 deficiency; Adenosine Monophosphate Deaminase 1; ADENOSINE MONOPHOSPHATE DEAMINASE-1 DEFICIENCY, MYOPATHY DUE TO; AMPD1 DEFICIENCY. Identifiers: Orphanet 45, MedGen C3714933, MONDO:0014220, OMIM 615511.
Inborn genetic diseases. Identifiers: MedGen C0950123, MeSH D030342.

Allele frequency attached by ClinVar (database versions not stated): ExAC 0.00003; gnomAD 0.00003; TOPMed 0.00003; gnomAD exomes 0.00008.
gnomAD v4.1: 121 of 1,612,314 alleles (0.0075%); highest among the groups gnomAD compares: Non-Finnish European, 0.01%; no homozygotes.

Submissions (2):

Ambry Genetics
Classification: Uncertain significance for Inborn genetic diseases. Last evaluated: 2026-08-18. Review status: criteria provided, single submitter. Criteria: Ambry Variant Classification Scheme 2023. Collection method: clinical testing. Allele origin: germline.

Labcorp Genetics (formerly Invitae), Labcorp
Classification: Uncertain significance for Muscle AMP deaminase deficiency. Last evaluated: 2022-06-26. Review status: criteria provided, single submitter. Criteria: Invitae Variant Classification Sherloc (09022015). Collection method: clinical testing. Allele origin: germline.
Comment: In summary, the available evidence is currently insufficient to determine the role of this variant in disease. Therefore, it has been classified as a Variant of Uncertain Significance. Algorithms developed to predict the effect of missense changes on protein structure and function (SIFT, PolyPhen-2, Align-GVGD) all suggest that this variant is likely to be disruptive. This variant has not been reported in the literature in individuals affected with AMPD1-related conditions. This variant is present in population databases (rs764950035, gnomAD 0.006%). This sequence change replaces glutamic acid, which is acidic and polar, with glycine, which is neutral and non-polar, at codon 468 of the AMPD1 protein (p.Glu468Gly).